The following is an entry in ClinVar:

ClinVar aggregate classification (germline): Conflicting classifications of pathogenicity. Review status: criteria provided, conflicting classifications (1 of 4 stars). 2 submissions from 2 submitters: Uncertain significance (1); Likely benign (1). Last evaluated 2025-08-21.

Conditions:
Baller-Gerold syndrome (BGS). Also called: CRANIOSYNOSTOSIS WITH RADIAL DEFECTS. Identifiers: Orphanet 1225, MedGen C0265308, MONDO:0009039, OMIM 218600.
Inborn genetic diseases. Identifiers: MedGen C0950123, MeSH D030342.

Allele frequency attached by ClinVar (database versions not stated): ExAC below 0.00001.
gnomAD v4.1: 10 of 1,548,324 alleles (0.00065%); highest among the groups gnomAD compares: South Asian, 0.0024%; no homozygotes.

Submissions (2):

Ambry Genetics
Classification: Likely benign for Inborn genetic diseases. Last evaluated: 2025-08-21. Review status: criteria provided, single submitter. Criteria: Ambry Variant Classification Scheme 2023. Collection method: clinical testing. Allele origin: germline.

Labcorp Genetics (formerly Invitae), Labcorp
Classification: Uncertain significance for Baller-Gerold syndrome. Last evaluated: 2025-03-09. Review status: criteria provided, single submitter. Criteria: Invitae Variant Classification Sherloc (09022015). Collection method: clinical testing. Allele origin: germline.
Comment: This sequence change replaces glycine, which is neutral and non-polar, with serine, which is neutral and polar, at codon 694 of the RECQL4 protein (p.Gly694Ser). This variant is present in population databases (rs750118023, gnomAD 0.004%). This variant has not been reported in the literature in individuals affected with RECQL4-related conditions. ClinVar contains an entry for this variant (Variation ID: 529033). Invitae Evidence Modeling of protein sequence and biophysical properties (such as structural, functional, and spatial information, amino acid conservation, physicochemical variation, residue mobility, and thermodynamic stability) indicates that this missense variant is not expected to disrupt RECQL4 protein function with a negative predictive value of 80%. In summary, the available evidence is currently insufficient to determine the role of this variant in disease. Therefore, it has been classified as a Variant of Uncertain Significance.

NM_004260.4(RECQL4):c.2080G>A (p.Gly694Ser)

Gene: RECQL4 (RecQ like helicase 4; minus strand). Cytogenetic location: 8q24.3.
Variant type: single nucleotide variant.
Coding change: c.2080G>A on transcript NM_004260.4 (MANE Select); coding-DNA position 2080, G replaced by A.
Protein change: p.Gly694Ser; replaces glycine 694 with serine.
Molecular consequence: missense variant.
Genome position (GRCh38, 1-based): chr8:144,513,691, C>T on the plus strand (G>A on the coding strand, the complement: RECQL4 is on the minus strand). VCF-style: chr8-144513691-C-T. GRCh37 (hg19) VCF-style: chr8-145739075-C-T.
Other names: short protein forms G694S.
Identifiers: ClinVar variation 529033 (VCV000529033.8), dbSNP rs750118023, ClinGen allele CA4948476.